The following is an entry in ClinVar:

NM_001366385.1(CARD14):c.2459G>A (p.Arg820Gln)

Genes: SGSH (N-sulfoglucosamine sulfohydrolase; minus strand), CARD14 (caspase recruitment domain family member 14; plus strand), LOC126862662 (MED14-independent group 3 enhancer GRCh37_chr17:78178385-78179584; plus strand). Cytogenetic location: 17q25.3.
Variant type: single nucleotide variant.
Coding change: c.2459G>A on transcript NM_001366385.1 (MANE Select); coding-DNA position 2459, G replaced by A.
Protein change: p.Arg820Gln; replaces arginine 820 with glutamine.
Molecular consequence: missense variant. On other transcripts: non-coding transcript variant (1).
Genome position (GRCh38, 1-based): chr17:80,205,095, G>A. VCF-style: chr17-80205095-G-A. GRCh37 (hg19) VCF-style: chr17-78178894-G-A.
Other names: c.2459G>A, p.Arg820Gln (NM_024110.4); c.2459G>A (NM_024110.3); short protein forms R820Q.
Identifiers: ClinVar variation 2929457 (VCV002929457.4), dbSNP rs147954634, ClinGen allele CA8817332.

ClinVar aggregate classification (germline): Uncertain significance. Review status: criteria provided, multiple submitters, no conflicts (2 of 4 stars). 2 submissions from 2 submitters: Uncertain significance (2). Last evaluated 2025-06-07.

Conditions:
Pityriasis rubra pilaris (PRP). Also called: Pityriasis rubra pilaris--familial type. Identifiers: Orphanet 2897, MedGen C0032027, MONDO:0100017, OMIM 173200, MONDO:0008251.
Psoriasis 2. Identifiers: MedGen C1864497, MONDO:0011269, OMIM 602723.
Inborn genetic diseases. Identifiers: MedGen C0950123, MeSH D030342.

Allele frequency attached by ClinVar (database versions not stated): gnomAD exomes 0.00001; gnomAD 0.00002; ExAC 0.00003; TOPMed 0.00003; ESP Exome Variant Server 0.00015.
gnomAD v4.1: 20 of 1,613,302 alleles (0.0012%); highest among the groups gnomAD compares: South Asian, 0.0022%; no homozygotes.

Submissions (2):

Ambry Genetics
Classification: Uncertain significance for Inborn genetic diseases. Last evaluated: 2025-06-07. Review status: criteria provided, single submitter. Criteria: Ambry Variant Classification Scheme 2023. Collection method: clinical testing. Allele origin: germline.

Labcorp Genetics (formerly Invitae), Labcorp
Classification: Uncertain significance for Pityriasis rubra pilaris; Psoriasis 2. Last evaluated: 2025-05-25. Review status: criteria provided, single submitter. Criteria: Invitae Variant Classification Sherloc (09022015). Collection method: clinical testing. Allele origin: germline.
Comment: This sequence change replaces arginine, which is basic and polar, with glutamine, which is neutral and polar, at codon 820 of the CARD14 protein (p.Arg820Gln). This variant is present in population databases (rs147954634, gnomAD 0.002%). This variant has not been reported in the literature in individuals affected with CARD14-related conditions. ClinVar contains an entry for this variant (Variation ID: 2929457). Invitae Evidence Modeling of protein sequence and biophysical properties (such as structural, functional, and spatial information, amino acid conservation, physicochemical variation, residue mobility, and thermodynamic stability) indicates that this missense variant is not expected to disrupt CARD14 protein function with a negative predictive value of 95%. In summary, the available evidence is currently insufficient to determine the role of this variant in disease. Therefore, it has been classified as a Variant of Uncertain Significance.